The following is an entry in ClinVar:

NM_002878.4(RAD51D):c.356G>C (p.Cys119Ser)

Genes: RAD51D (RAD51 paralog D; minus strand), RAD51L3-RFFL (RAD51L3-RFFL readthrough; minus strand). Cytogenetic location: 17q12.
Variant type: single nucleotide variant.
Coding change: c.356G>C on transcript NM_002878.4 (MANE Select); coding-DNA position 356, G replaced by C.
Protein change: p.Cys119Ser; replaces cysteine 119 with serine.
Molecular consequence: missense variant. On other transcripts: non-coding transcript variant (1), intron variant (1).
Genome position (GRCh38, 1-based): chr17:35,107,112, C>G on the plus strand (G>C on the coding strand, the complement: RAD51D is on the minus strand). VCF-style: chr17-35107112-C-G. GRCh37 (hg19) VCF-style: chr17-33434131-C-G.
Other names: c.416G>C, p.Cys139Ser (NM_001142571.2); c.145-631G>C (NM_133629.3); short protein forms C119S, C139S.
Identifiers: ClinVar variation 582021 (VCV000582021.5), dbSNP rs759730492, ClinGen allele CA399089390.
Genomic context (GRCh38, chr17:35,107,112, plus strand): 5'-CCATTGGAATCTACATATAGGACGTTTTGCTGCAGGCCATGGGCCACATTTGCTGCCATA[C>G]AGAGACATACCTGGGGGTGGGGGCATTGGATGAACTTGACACTTCAGAGAGGGTCCAGAT-3'
Protein context (NP_002869.3, residues 109-129): PGSGKTQVCL[Cys119Ser]MAANVAHGLQ

ClinVar aggregate classification (germline): Uncertain significance (1 of 4 stars; one submission).

Conditions:
Breast-ovarian cancer, familial, susceptibility to, 4. Identifiers: Orphanet 145, MedGen C3280345, MONDO:0013669, OMIM 614291.

Submission:

Labcorp Genetics (formerly Invitae), Labcorp
Classification: Uncertain significance for Breast-ovarian cancer, familial, susceptibility to, 4. Last evaluated: 2018-02-17. Review status: criteria provided, single submitter. Criteria: Invitae Variant Classification Sherloc (09022015). Collection method: clinical testing. Allele origin: germline.
Comment: This sequence change replaces cysteine with serine at codon 119 of the RAD51D protein (p.Cys119Ser). The cysteine residue is weakly conserved and there is a moderate physicochemical difference between cysteine and serine. This variant is not present in population databases (ExAC no frequency). This variant has not been reported in the literature in individuals with RAD51D-related disease. Algorithms developed to predict the effect of missense changes on protein structure and function (SIFT, PolyPhen-2, Align-GVGD) all suggest that this variant is likely to be tolerated, but these predictions have not been confirmed by published functional studies and their clinical significance is uncertain. In summary, the available evidence is currently insufficient to determine the role of this variant in disease. Therefore, it has been classified as a Variant of Uncertain Significance.